The following is an entry in ClinVar:

ClinVar aggregate classification (germline): Pathogenic/Likely pathogenic. Review status: criteria provided, multiple submitters, no conflicts (2 of 4 stars). 3 submissions from 3 submitters: Pathogenic (2); Likely pathogenic (1). Last evaluated 2026-01-07.

Conditions:
Complement component 3 deficiency. Identifiers: Orphanet 280133, MedGen C3151071, MONDO:0013417, OMIM 613779.
Age related macular degeneration 9. Identifiers: MedGen C1969651, MONDO:0012659, OMIM 611378.
Atypical hemolytic-uremic syndrome with C3 anomaly. Also called: AHUS, SUSCEPTIBILITY TO, 5. Identifiers: Orphanet 2134, MedGen C2752037, MONDO:0013043, OMIM 612925.

Submissions (3):

Labcorp Genetics (formerly Invitae), Labcorp
Classification: Pathogenic. Last evaluated: 2026-01-07. Review status: criteria provided, single submitter. Criteria: Invitae Variant Classification Sherloc (09022015). Collection method: clinical testing. Allele origin: germline.
Comment: This sequence change creates a premature translational stop signal (p.Leu125Profs*44) in the C3 gene. It is expected to result in an absent or disrupted protein product. Loss-of-function variants in C3 are known to be pathogenic (PMID: 12462331, 14639503, 21501302). This variant is present in population databases (no rsID available, gnomAD 0.0009%). This variant has not been reported in the literature in individuals affected with C3-related conditions. ClinVar contains an entry for this variant (Variation ID: 1455261). For these reasons, this variant has been classified as Pathogenic.

CeGaT Center for Human Genetics Tuebingen
Classification: Pathogenic. Last evaluated: 2023-01-01. Review status: criteria provided, single submitter. Criteria: CeGaT Center For Human Genetics Tuebingen Variant Classification Criteria Version 2. Collection method: clinical testing. Allele origin: germline. Affected: yes. Observed: 2 variant alleles.

Fulgent Genetics
Classification: Likely pathogenic for Age related macular degeneration 9; Atypical hemolytic-uremic syndrome with C3 anomaly; Complement component 3 deficiency. Last evaluated: 2022-03-09. Review status: criteria provided, single submitter. Criteria: ACMG Guidelines, 2015. Collection method: clinical testing. Allele origin: unknown.

Literature cited by the submitters: PubMed 12462331 (cited by Labcorp Genetics (formerly Invitae), Labcorp); PubMed 14639503 (cited by Labcorp Genetics (formerly Invitae), Labcorp); PubMed 21501302 (cited by Labcorp Genetics (formerly Invitae), Labcorp).

NM_000064.4(C3):c.373dup (p.Leu125fs)

Gene: C3 (complement C3; minus strand). Cytogenetic location: 19p13.3.
Variant type: Duplication.
Coding change: c.373dup on transcript NM_000064.4 (MANE Select); coding-DNA position 373, one base duplicated (C; older notation c.373dupC).
Protein change: p.Leu125fs; shifts the reading frame from leucine 125.
Molecular consequence: frameshift variant.
Genome position (GRCh38, 1-based): chr19:6,718,307, G duplicated on the plus strand (C on the coding strand, the reverse complement: C3 is on the minus strand); the first of 2 consecutive G bases (chr19:6,718,307-6,718,308); duplicating either gives the same sequence. VCF-style (leftmost placement, unchanged base first): chr19-6718306-A-AG. GRCh37 (hg19) VCF-style: chr19-6718317-A-AG.
Other names: short protein forms L125fs.
Identifiers: ClinVar variation 1455261 (VCV001455261.35), dbSNP rs1337559480, ClinGen allele CA631663706.